The following is an entry in ClinVar:

ClinVar aggregate classification (germline): Pathogenic (1 of 4 stars; one submission).

Conditions:
Congenital factor V deficiency. Also called: Hereditary factor V deficiency disease; LABILE FACTOR DEFICIENCY; OWREN PARAHEMOPHILIA; PARAHEMOPHILIA. Identifiers: Orphanet 326, MedGen C0015499, MONDO:0009210, OMIM 227400.

Submission:

Labcorp Genetics (formerly Invitae), Labcorp
Classification: Pathogenic for Congenital factor V deficiency. Last evaluated: 2023-10-06. Review status: criteria provided, single submitter. Criteria: Invitae Variant Classification Sherloc (09022015). Collection method: clinical testing. Allele origin: germline.
Comment: This sequence change creates a premature translational stop signal (p.Ala1569*) in the F5 gene. It is expected to result in an absent or disrupted protein product. Loss-of-function variants in F5 are known to be pathogenic (PMID: 30924984). Information on the frequency of this variant in the gnomAD database is not available, as this variant may be reported differently in the database. This variant has not been reported in the literature in individuals affected with F5-related conditions. For these reasons, this variant has been classified as Pathogenic.

Literature cited by the submitters: PubMed 30924984.

NM_000130.5(F5):c.4705_4706delinsTA (p.Ala1569Ter)

Gene: F5 (coagulation factor V; minus strand). Cytogenetic location: 1q24.2.
Variant type: Indel.
Coding change: c.4705_4706delinsTA on transcript NM_000130.5 (MANE Select); coding-DNA positions 4705 to 4706, GC replaced by TA.
Protein change: p.Ala1569Ter; replaces alanine 1569 with a stop codon.
Molecular consequence: nonsense.
Genome position (GRCh38, 1-based): chr1:169,540,384-169,540,385, GC replaced by TA on the plus strand (GC replaced by TA on the coding strand, the reverse complement: F5 is on the minus strand). VCF-style: chr1-169540384-GC-TA. GRCh37 (hg19) VCF-style: chr1-169509622-GC-TA.
Other names: short protein forms A1569*.
Identifiers: ClinVar variation 2766288 (VCV002766288.3), dbSNP rs2526387037, ClinGen allele CA2697554640.